The following is an entry in ClinVar:

NM_003114.5(SPAG1):c.897_901del (p.Lys301fs)

Gene: SPAG1 (sperm associated antigen 1; plus strand). Cytogenetic location: 8q22.2.
Variant type: Deletion.
Coding change: c.897_901del on transcript NM_003114.5 (MANE Select); coding-DNA positions 897 to 901, 5 bases deleted (GAGTA; older notation c.897_901delGAGTA).
Protein change: p.Lys301fs; shifts the reading frame from lysine 301.
Molecular consequence: frameshift variant.
Genome position (GRCh38, 1-based): chr8:100,191,454-100,191,458, GAGTA deleted. VCF-style (leftmost placement, unchanged base first): chr8-100191453-TGAGTA-T. GRCh37 (hg19) VCF-style: chr8-101203681-TGAGTA-T.
Other names: c.897_901delGAGTA (NM_172218.2); c.897_901del, p.Lys301fs (NM_001374321.1, NM_172218.3); short protein forms K301fs.
Identifiers: ClinVar variation 445743 (VCV000445743.13), dbSNP rs751845138, ClinGen allele CA4827392.
Genomic context (GRCh38, chr8:100,191,453, plus strand): 5'-TTCTGCGTCGTGCTACTACATATAAACATCAAAACAAGCTCCGGGAAGCTACAGAAGATT[TGAGTA>T]AAGTACTAGATGTTGAGCCTGATAATGATTTGGCCAAGGTAAGTATAGAATGTGATTTCT-3'

ClinVar aggregate classification (germline): Pathogenic/Likely pathogenic. Review status: criteria provided, multiple submitters, no conflicts (2 of 4 stars). 7 submissions from 7 submitters: Pathogenic (4); Likely pathogenic (3). Last evaluated 2025-10-23.

Conditions:
Primary ciliary dyskinesia. Also called: Ciliary dyskinesia. Identifiers: Orphanet 244, MedGen C0008780, MONDO:0016575, HP:0012265.
Primary ciliary dyskinesia 28. Also called: CILIARY DYSKINESIA, PRIMARY, 28, WITH OR WITHOUT SITUS INVERSUS. Identifiers: Orphanet 244, MedGen C3809706, MONDO:0014216, OMIM 615505.

Allele frequency attached by ClinVar (database versions not stated): gnomAD exomes 0.00002; ExAC 0.00003; gnomAD 0.00008 and 0.00009; TOPMed 0.00009; ESP Exome Variant Server 0.00024.

Submissions (7):

Labcorp Genetics (formerly Invitae), Labcorp
Classification: Pathogenic for Primary ciliary dyskinesia 28. Last evaluated: 2025-10-23. Review status: criteria provided, single submitter. Criteria: Invitae Variant Classification Sherloc (09022015). Collection method: clinical testing. Allele origin: germline.
Comment: This sequence change creates a premature translational stop signal (p.Lys301Thrfs*4) in the SPAG1 gene. It is expected to result in an absent or disrupted protein product. Loss-of-function variants in SPAG1 are known to be pathogenic (PMID: 24055112). This variant is present in population databases (rs751845138, gnomAD 0.005%). This premature translational stop signal has been observed in individual(s) with primary ciliary dyskinesia (PMID: 24055112). In at least one individual the data is consistent with being in trans (on the opposite chromosome) from a pathogenic variant. ClinVar contains an entry for this variant (Variation ID: 445743). For these reasons, this variant has been classified as Pathogenic.

Ambry Genetics
Classification: Pathogenic for Primary ciliary dyskinesia. Last evaluated: 2025-02-03. Review status: criteria provided, single submitter. Criteria: Ambry Variant Classification Scheme 2023. Collection method: clinical testing. Allele origin: germline.
Comment: The c.897_901delGAGTA pathogenic mutation, located in coding exon 8 of the SPAG1 gene, results from a deletion of 5 nucleotides at nucleotide positions 897 to 901, causing a translational frameshift with a predicted alternate stop codon (p.K301Tfs*4). This variant has been identified in the homozygous state and/or in conjunction with other SPAG1 variant(s) in individual(s) with features consistent with primary ciliary dyskinesia (Knowles MR et al. Am J Hum Genet, 2013 Oct;93:711-20). (Olson AJ et al. J Pediatr, 2019 Jan;204:31-37). This variant is considered to be rare based on population cohorts in the Genome Aggregation Database (gnomAD). This alteration is expected to result in loss of function by premature protein truncation or nonsense-mediated mRNA decay. As such, this alteration is interpreted as a disease-causing mutation.

GeneDx
Classification: Pathogenic. Last evaluated: 2024-02-23. Review status: criteria provided, single submitter. Criteria: GeneDx Variant Classification Process June 2021. Collection method: clinical testing. Allele origin: germline. Affected: yes.
Comment: Frameshift variant predicted to result in protein truncation or nonsense mediated decay in a gene for which loss-of-function is a known mechanism of disease; This variant is associated with the following publications: (PMID: 30293640)

Department of Pathology and Laboratory Medicine, Sinai Health System
Classification: Likely pathogenic for Primary ciliary dyskinesia 28. Last evaluated: 2022-05-17. Review status: criteria provided, single submitter. Criteria: ACMG Guidelines, 2015. Collection method: research. Allele origin: germline.

Fulgent Genetics
Classification: Likely pathogenic for Primary ciliary dyskinesia 28. Last evaluated: 2022-04-11. Review status: criteria provided, single submitter. Criteria: ACMG Guidelines, 2015. Collection method: clinical testing. Allele origin: unknown.

Knight Diagnostic Laboratories, Oregon Health and Sciences University
Classification: Likely pathogenic for Ciliary dyskinesia, primary, 28. Last evaluated: 2018-06-04. Review status: criteria provided, single submitter. Criteria: ACMG Guidelines, 2015. Collection method: clinical testing. Allele origin: germline. Observed: 1 variant allele.

Center for Pediatric Genomic Medicine, Children's Mercy Hospital and Clinics
Classification: Pathogenic. Last evaluated: 2017-06-14. Review status: criteria provided, single submitter. Criteria: ACMG Guidelines, 2015. Collection method: clinical testing. Allele origin: germline.

Literature cited by the submitters: PubMed 24055112 (cited by Labcorp Genetics (formerly Invitae), Labcorp and Ambry Genetics); PubMed 30293640 (cited by Ambry Genetics).